The following is an entry in ClinVar:

NM_000214.3(JAG1):c.2670C>T (p.Ile890=)

Gene: JAG1 (jagged canonical Notch ligand 1; minus strand). Cytogenetic location: 20p12.2.
Variant type: single nucleotide variant.
Coding change: c.2670C>T on transcript NM_000214.3 (MANE Select); coding-DNA position 2670, C replaced by T.
Protein change: p.Ile890=; no amino-acid change (isoleucine 890 retained).
Molecular consequence: synonymous variant.
Genome position (GRCh38, 1-based): chr20:10,641,795, G>A on the plus strand (C>T on the coding strand, the complement: JAG1 is on the minus strand). VCF-style: chr20-10641795-G-A. GRCh37 (hg19) VCF-style: chr20-10622443-G-A.
Other names: c.2670C>T (NM_000214.2).
Identifiers: ClinVar variation 1613731 (VCV001613731.9), dbSNP rs776821383, ClinGen allele CA9764422.

ClinVar aggregate classification (germline): Likely benign. Review status: criteria provided, multiple submitters, no conflicts (2 of 4 stars). 2 submissions from 2 submitters: Likely benign (2). Last evaluated 2026-04-23.

Conditions:
JAG1-related disorder. Also called: JAG1-related disorders; JAG1-related condition.
Alagille syndrome due to a JAG1 point mutation. Also called: HEPATIC DUCTULAR HYPOPLASIA, SYNDROMATIC; Alagille Syndrome 1; JAG1-Related Alagille Syndrome. Identifiers: Orphanet 261619, Orphanet 52, MedGen C1956125, MONDO:0016862, OMIM 118450.

Allele frequency attached by ClinVar (database versions not stated): ExAC 0.00001; gnomAD exomes 0.00001.
gnomAD v4.1: 8 of 1,613,498 alleles (0.0005%); highest among the groups gnomAD compares: East Asian, 0.0045%; no homozygotes.

Submissions (2):

PreventionGenetics, part of Exact Sciences
Classification: Likely benign for JAG1-related condition. Last evaluated: 2026-04-23. Review status: criteria provided, single submitter. Criteria: ACMG Guidelines, 2015. Collection method: clinical testing. Allele origin: germline.
Comment: This variant is classified as likely benign based on ACMG/AMP sequence variant interpretation guidelines (Richards et al. 2015 PMID: 25741868, with internal and published modifications).

Labcorp Genetics (formerly Invitae), Labcorp
Classification: Likely benign for Alagille syndrome due to a JAG1 point mutation. Last evaluated: 2025-07-25. Review status: criteria provided, single submitter. Criteria: Invitae Variant Classification Sherloc (09022015). Collection method: clinical testing. Allele origin: germline.